The following is an entry in ClinVar:

NM_000426.4(LAMA2):c.725G>A (p.Arg242His)

Gene: LAMA2 (laminin subunit alpha 2; plus strand). Cytogenetic location: 6q22.33.
Variant type: single nucleotide variant.
Coding change: c.725G>A on transcript NM_000426.4 (MANE Select); coding-DNA position 725, G replaced by A.
Protein change: p.Arg242His; replaces arginine 242 with histidine.
Molecular consequence: missense variant.
Genome position (GRCh38, 1-based): chr6:129,143,986, G>A. VCF-style: chr6-129143986-G-A. GRCh37 (hg19) VCF-style: chr6-129465131-G-A.
Other names: c.725G>A, p.Arg242His (NM_001079823.2); short protein forms R242H.
Identifiers: ClinVar variation 218454 (VCV000218454.10), dbSNP rs373570586, ClinGen allele CA249068.

ClinVar aggregate classification (germline): Uncertain significance. Review status: criteria provided, multiple submitters, no conflicts (2 of 4 stars). 4 submissions from 4 submitters: Uncertain significance (4). Last evaluated 2023-12-22.

Conditions:
Merosin deficient congenital muscular dystrophy (MDC1A). Also called: Congenital Muscular Dystrophy Type 1A (MDC1A); Congenital merosin-deficient muscular dystrophy 1A. Identifiers: Orphanet 258, MedGen C1263858, MONDO:0011925, OMIM 607855.
Muscular dystrophy, limb-girdle, autosomal recessive 23. Identifiers: Orphanet 565837, MedGen C4748327, MONDO:0029136, OMIM 618138.
LAMA2-related muscular dystrophy (LAMA2-RD). Also called: Laminin alpha 2-related dystrophy. Identifiers: MedGen C5679788, MONDO:0100228.

Allele frequency attached by ClinVar (database versions not stated): ESP Exome Variant Server 0.00008; gnomAD 0.00012 and 0.00013; 1000 Genomes Project 0.00020; TOPMed 0.00024; 1000 Genomes Project 30x 0.00031.
gnomAD v4.1: 96 of 1,612,326 alleles (0.006%); highest among the groups gnomAD compares: Admixed American, 0.072%; no homozygotes.

Submissions (4):

Labcorp Genetics (formerly Invitae), Labcorp
Classification: Uncertain significance for LAMA2-related muscular dystrophy. Last evaluated: 2023-12-22. Review status: criteria provided, single submitter. Criteria: Invitae Variant Classification Sherloc (09022015). Collection method: clinical testing. Allele origin: germline.
Comment: This sequence change replaces arginine, which is basic and polar, with histidine, which is basic and polar, at codon 242 of the LAMA2 protein (p.Arg242His). This variant is present in population databases (rs373570586, gnomAD 0.06%). This missense change has been observed in individual(s) with congenital Muscular Dystrophy (PMID: 32266982). ClinVar contains an entry for this variant (Variation ID: 218454). Advanced modeling of protein sequence and biophysical properties (such as structural, functional, and spatial information, amino acid conservation, physicochemical variation, residue mobility, and thermodynamic stability) has been performed at Invitae for this missense variant, however the output from this modeling did not meet the statistical confidence thresholds required to predict the impact of this variant on LAMA2 protein function. In summary, the available evidence is currently insufficient to determine the role of this variant in disease. Therefore, it has been classified as a Variant of Uncertain Significance.

GeneDx
Classification: Uncertain significance. Last evaluated: 2022-10-05. Review status: criteria provided, single submitter. Criteria: GeneDx Variant Classification Process June 2021. Collection method: clinical testing. Allele origin: germline. Affected: yes.
Comment: Reported previously with another LAMA2 variant (phase unknown) in a patient with congenital myopathy (Hayes et al., 2020); In silico analysis supports that this missense variant has a deleterious effect on protein structure/function; This variant is associated with the following publications: (PMID: 32266982, 32028919)

Fulgent Genetics
Classification: Uncertain significance for Merosin deficient congenital muscular dystrophy; Muscular dystrophy, limb-girdle, autosomal recessive 23. Last evaluated: 2021-10-26. Review status: criteria provided, single submitter. Criteria: ACMG Guidelines, 2015. Collection method: clinical testing. Allele origin: unknown.

Genomic Diagnostic Laboratory, Division of Genomic Diagnostics, Children's Hospital of Philadelphia
Classification: Uncertain significance. Last evaluated: 2015-06-16. Review status: criteria provided, single submitter. Criteria: DGD Variant Analysis Guidelines. Collection method: clinical testing. Allele origin: unknown.

Literature cited by the submitters: PubMed 32266982 (cited by Labcorp Genetics (formerly Invitae), Labcorp).